The following is an entry in ClinVar:

ClinVar aggregate classification (germline): Uncertain significance (1 of 4 stars; one submission).

Submission:

Women's Health and Genetics/Laboratory Corporation of America, LabCorp
Classification: Uncertain significance. Last evaluated: 2024-09-30. Review status: criteria provided, single submitter. Criteria: LabCorp Variant Classification Summary - May 2015. Collection method: clinical testing. Allele origin: germline.
Comment: Variant summary: UGT1A1 c.610A>G (p.Met204Val) results in a conservative amino acid change in the encoded protein sequence. Four of five in-silico tools predict a damaging effect of the variant on protein function. The variant was absent in 251490 control chromosomes. c.610A>G has been reported in the literature in the compound heterozygous state or homozygous state in at least 2 individuals affected with Crigler-Najjar syndrome (example, Huang_2006, Wu_2016), however it was unclear if the promoter region was genotyped. These data indicate that the variant may be associated with disease. To our knowledge, no experimental evidence demonstrating an impact on protein function has been reported. The following publications have been ascertained in the context of this evaluation (PMID: 17098698, 27264814). No submitters have cited clinical-significance assessments for this variant to ClinVar. Based on the evidence outlined above, the variant was classified as VUS-possibly pathogenic.

Literature cited by the submitters: PubMed 27264814; PubMed 17098698.

NM_000463.3(UGT1A1):c.610A>G (p.Met204Val)

Genes: UGT1A (UDP glucuronosyltransferase family 1 member A complex locus; plus strand), UGT1A1 (UDP glucuronosyltransferase family 1 member A1; plus strand), UGT1A10 (UDP glucuronosyltransferase family 1 member A10; plus strand), UGT1A3 (UDP glucuronosyltransferase family 1 member A3; plus strand), UGT1A4 (UDP glucuronosyltransferase family 1 member A4; plus strand) and 5 more. Cytogenetic location: 2q37.1.
Variant type: single nucleotide variant.
Coding change: c.610A>G on transcript NM_000463.3 (MANE Select); coding-DNA position 610, A replaced by G.
Protein change: p.Met204Val; replaces methionine 204 with valine.
Molecular consequence: missense variant. On other transcripts: intron variant (9).
Genome position (GRCh38, 1-based): chr2:233,760,897, A>G. VCF-style: chr2-233760897-A-G. GRCh37 (hg19) VCF-style: chr2-234669543-A-G.
Other names: c.856-6137A>G (NM_019076.5, NM_019075.4, NM_021027.3 and 1 more transcripts); c.61-6137A>G (NM_205862.3); c.862-6137A>G (NM_001072.4); c.868-6137A>G (NM_019078.2, NM_007120.3, NM_019093.4); short protein forms M204V.
Identifiers: ClinVar variation 3375292 (VCV003375292.1).